The following is an entry in ClinVar:

NM_000525.4(KCNJ11):c.*686A>G

Gene: KCNJ11 (potassium inwardly rectifying channel subfamily J member 11; minus strand). Cytogenetic location: 11p15.1.
Variant type: single nucleotide variant.
Coding change: c.*686A>G on transcript NM_000525.4 (MANE Select); 686 bases downstream of the stop codon, A replaced by G.
Molecular consequence: 3 prime UTR variant.
Genome position (GRCh38, 1-based): chr11:17,386,233, T>C on the plus strand (A>G on the coding strand, the complement: KCNJ11 is on the minus strand). VCF-style: chr11-17386233-T-C. GRCh37 (hg19) VCF-style: chr11-17407780-T-C.
Other names: c.*686A>G (NM_001166290.2, NM_001377296.1, NM_001377297.1).
Identifiers: ClinVar variation 303717 (VCV000303717.6), dbSNP rs147282653, ClinGen allele CA10638583.

ClinVar aggregate classification (germline): Conflicting classifications of pathogenicity. Review status: criteria provided, conflicting classifications (1 of 4 stars). 4 submissions from 2 submitters: Uncertain significance (2); Benign (2). Last evaluated 2018-01-13.

Conditions:
Maturity-onset diabetes of the young type 13. Also called: MODY, TYPE 13. Identifiers: Orphanet 552, MedGen C4225365, MONDO:0014589, OMIM 616329.
Maturity-onset diabetes of the young (MODY). Also called: Maturity onset diabetes mellitus in young. Identifiers: Orphanet 552, MedGen C0342276, MONDO:0018911, HP:0004904.
Diabetes mellitus, transient neonatal, 3 (TNDM3). Identifiers: Orphanet 99886, MedGen C1864623, MONDO:0012522, OMIM 610582. Disease mechanism: loss of function.
Hyperinsulinemic hypoglycemia, familial, 2. Also called: HYPERINSULINEMIC HYPOGLYCEMIA, PERSISTENT; HYPERINSULINISM, NEONATAL. Identifiers: Orphanet 276580, Orphanet 276603, MedGen C2931833, MONDO:0011153, OMIM 601820. Disease mechanism: loss of function.

Allele frequency attached by ClinVar (database versions not stated): 1000 Genomes Project 30x 0.00297; gnomAD 0.00309 and 0.00324; 1000 Genomes Project 0.00339; TOPMed 0.00384.

Submissions (4):

Illumina Laboratory Services, Illumina
Classification: Uncertain significance for Hyperinsulinemic hypoglycemia, familial, 2. Last evaluated: 2018-01-13. Review status: criteria provided, single submitter. Criteria: ICSL Variant Classification Criteria 13 December 2019. Collection method: clinical testing. Allele origin: germline.

Illumina Laboratory Services, Illumina
Classification: Benign for Maturity-onset diabetes of the young type 13. Last evaluated: 2018-01-13. Review status: criteria provided, single submitter. Criteria: ICSL Variant Classification Criteria 13 December 2019. Collection method: clinical testing. Allele origin: germline.
Comment: This variant was observed in the ICSL laboratory as part of a predisposition screen in an ostensibly healthy population. It had not been previously curated by ICSL or reported in the Human Gene Mutation Database (HGMD: prior to June 1st, 2018), and was therefore a candidate for classification through an automated scoring system. Utilizing variant allele frequency, disease prevalence and penetrance estimates, and inheritance mode, an automated score was calculated to assess if this variant is too frequent to cause the disease. Based on the score and internal cut-off values, a variant classified as benign is not then subjected to further curation. The score for this variant resulted in a classification of benign for this disease.

Illumina Laboratory Services, Illumina
Classification: Benign for Diabetes mellitus, transient neonatal, 3. Last evaluated: 2018-01-13. Review status: criteria provided, single submitter. Criteria: ICSL Variant Classification Criteria 13 December 2019. Collection method: clinical testing. Allele origin: germline.
Comment: the same text as in the submission from Illumina Laboratory Services, Illumina above.

Clinical Genomics, Uppaluri K&H Personalized Medicine Clinic
Classification: Uncertain significance for Maturity-onset diabetes of the young. Review status: criteria provided, single submitter. Criteria: K & H Uppaluri Personalized Medicine Clinic Variant Classification & Assertion Criteria_Updated V.1. Collection method: research. Allele origin: somatic. Inheritance: Autosomal dominant inheritance.
Comment: Mutations in KCNJ11 gene can cause decreased production and secretion of insulin. This can lead to MODY which may be responsive to oral sulfonylureas. It is also associated with Neonatal Diabetes. However, no sufficient evidence is found to ascertain the role of this particular variant (rs147282653) in MODY yet.

Literature cited by the submitters: PubMed 26448950 (cited by Clinical Genomics, Uppaluri K&H Personalized Medicine Clinic); PubMed 15580558 (cited by Clinical Genomics, Uppaluri K&H Personalized Medicine Clinic); PubMed 15718250 (cited by Clinical Genomics, Uppaluri K&H Personalized Medicine Clinic); PubMed 32935446 (cited by Clinical Genomics, Uppaluri K&H Personalized Medicine Clinic); PubMed 22701567 (cited by Clinical Genomics, Uppaluri K&H Personalized Medicine Clinic).